The following is an entry in ClinVar:

ClinVar aggregate classification (germline): Uncertain significance. Review status: reviewed by expert panel (3 of 4 stars). 4 submissions from 4 submitters: Uncertain significance (1). 3 of the submissions do not count toward it. Last evaluated 2024-07-17.

Conditions:
Inborn genetic diseases. Identifiers: MedGen C0950123, MeSH D030342.
Hereditary thrombocytopenia and hematologic cancer predisposition syndrome. Identifiers: Orphanet 71290, MedGen CN281654, MONDO:0011071.
Hereditary thrombocytopenia and hematological cancer predisposition syndrome associated with RUNX1. Also called: Familial Platelet Disorder with Propensity to Acute Myelogenous Leukemia; Familial thrombocytopenia with propensity to acute myelogenous leukemia; PLATELET DISORDER, ASPIRIN-LIKE; RUNX1 Familial Platelet Disorder with Associated Myeloid Malignancies. Identifiers: Orphanet 71290, MedGen C1832388, MeSH C563324, MONDO:0100083, OMIM 601399.

gnomAD v4.1: 1 of 1,614,034 alleles (0.000062%); no homozygotes.

Submissions (4):

ClinGen Myeloid Malignancy Variant Curation Expert Panel
Classification: Uncertain significance for Hereditary thrombocytopenia and hematologic cancer predisposition syndrome. Last evaluated: 2024-07-17. Review status: reviewed by expert panel. Criteria: ClinGen MyeloMalig ACMG Specifications v2. Collection method: curation. Allele origin: germline. Inheritance: Autosomal dominant inheritance.
Comment: NM_001754.5(RUNX1):c.492C>G (p.Val164=) is a synonymous variant which does not meet any ACMG/AMP criteria. In summary, the clinical significance of this variant is uncertain. ACMG/AMP criteria applied, as specified by the Myeloid Malignancy Variant Curation Expert Panel for RUNX1: None.

Ambry Genetics
Classification: Likely benign for Inborn genetic diseases. Last evaluated: 2025-10-31. Review status: criteria provided, single submitter. Criteria: Ambry Variant Classification Scheme 2023. Collection method: clinical testing. Allele origin: germline. Not counted in ClinVar's aggregate classification.

Labcorp Genetics (formerly Invitae), Labcorp
Classification: Likely benign for Hereditary thrombocytopenia and hematological cancer predisposition syndrome associated with RUNX1. Last evaluated: 2024-04-22. Review status: criteria provided, single submitter. Criteria: Invitae Variant Classification Sherloc (09022015). Collection method: clinical testing. Allele origin: germline. Not counted in ClinVar's aggregate classification.

GeneDx
Classification: Uncertain significance. Last evaluated: 2024-02-05. Review status: criteria provided, single submitter. Criteria: GeneDx Variant Classification Process June 2021. Collection method: clinical testing. Allele origin: germline. Affected: yes. Not counted in ClinVar's aggregate classification.
Comment: Not observed at significant frequency in large population cohorts (gnomAD); Has not been previously published as pathogenic or benign to our knowledge; In silico analysis suggests this variant may impact gene splicing. In the absence of RNA/functional studies, the actual effect of this sequence change is unknown.

NM_001754.5(RUNX1):c.492C>G (p.Val164=)

Genes: RUNX1 (RUNX family transcription factor 1; minus strand), RUNX1-AS1 (RUNX1 antisense RNA 1; plus strand). Cytogenetic location: 21q22.12.
Variant type: single nucleotide variant.
Coding change: c.492C>G on transcript NM_001754.5 (MANE Select); coding-DNA position 492, C replaced by G.
Protein change: p.Val164=; no amino-acid change (valine 164 retained).
Molecular consequence: synonymous variant.
Genome position (GRCh38, 1-based): chr21:34,880,573, G>C on the plus strand (C>G on the coding strand, the complement: RUNX1 is on the minus strand). VCF-style: chr21-34880573-G-C. GRCh37 (hg19) VCF-style: chr21-36252870-G-C.
Other names: NM_001754.5(RUNX1):c.492C>G; p.Val164=; c.411C>G, p.Val137= (NM_001001890.3, NM_001122607.2); c.492C>G (NM_001754.4).
Identifiers: ClinVar variation 1125165 (VCV001125165.12), dbSNP rs200907577, ClinGen allele CA10014504.